The following is an entry in ClinVar:

ClinVar aggregate classification (germline): Uncertain significance (1 of 4 stars; one submission).

Conditions:
Hereditary cancer-predisposing syndrome. Also called: Neoplastic Syndromes, Hereditary; Tumor predisposition; Hereditary Cancer Syndrome; Hereditary neoplastic syndrome. Identifiers: Orphanet 140162, MedGen C0027672, MeSH D009386, MONDO:0015356.

Submission:

Ambry Genetics
Classification: Uncertain significance for Hereditary cancer-predisposing syndrome. Last evaluated: 2025-07-09. Review status: criteria provided, single submitter. Criteria: Ambry Variant Classification Scheme 2023. Collection method: clinical testing. Allele origin: germline.
Comment: The c.3077+5G>T intronic variant results from a G to T substitution 5 nucleotides after coding exon 19 in the ATM gene. This nucleotide position is highly conserved in available vertebrate species. In silico splice site analysis predicts that this alteration will weaken the native splice donor site. Based on the available evidence, the clinical significance of this variant remains unclear.

NM_000051.4(ATM):c.3077+5G>T

Gene: ATM (ATM serine/threonine kinase; plus strand). Cytogenetic location: 11q22.3.
Variant type: single nucleotide variant.
Coding change: c.3077+5G>T on transcript NM_000051.4 (MANE Select); 5 bases into the intron after coding-DNA position 3077, G replaced by T.
Molecular consequence: intron variant.
Genome position (GRCh38, 1-based): chr11:108,271,411, G>T. VCF-style: chr11-108271411-G-T. GRCh37 (hg19) VCF-style: chr11-108142138-G-T.
Other names: c.3077+5G>T (NM_001351834.2).
Identifiers: ClinVar variation 4167765 (VCV004167765.1).